The following is an entry in ClinVar:

NM_015213.4(DENND5A):c.1048C>A (p.Leu350Met)

Gene: DENND5A (DENN domain containing 5A; minus strand). Cytogenetic location: 11p15.4.
Variant type: single nucleotide variant.
Coding change: c.1048C>A on transcript NM_015213.4 (MANE Select); coding-DNA position 1048, C replaced by A.
Protein change: p.Leu350Met; replaces leucine 350 with methionine.
Molecular consequence: missense variant. On other transcripts: non-coding transcript variant (1).
Genome position (GRCh38, 1-based): chr11:9,193,583, G>T on the plus strand (C>A on the coding strand, the complement: DENND5A is on the minus strand). VCF-style: chr11-9193583-G-T. GRCh37 (hg19) VCF-style: chr11-9215130-G-T.
Other names: c.1048C>A, p.Leu350Met (NM_001243254.2, NM_001348748.1); c.976C>A, p.Leu326Met (NM_001348749.2); c.760C>A, p.Leu254Met (NM_001348750.2); short protein forms L254M, L326M, L350M.
Identifiers: ClinVar variation 2146499 (VCV002146499.4), dbSNP rs758860067, ClinGen allele CA5877691.

ClinVar aggregate classification (germline): Uncertain significance (1 of 4 stars; one submission).

Allele frequency attached by ClinVar (database versions not stated): gnomAD exomes below 0.00001; ExAC 0.00001.
gnomAD v4.1: 8 of 1,614,100 alleles (0.0005%); highest among the groups gnomAD compares: Middle Eastern, 0.016%; no homozygotes.

Submission:

Labcorp Genetics (formerly Invitae), Labcorp
Classification: Uncertain significance. Last evaluated: 2022-04-02. Review status: criteria provided, single submitter. Criteria: Invitae Variant Classification Sherloc (09022015). Collection method: clinical testing. Allele origin: germline.
Comment: In summary, the available evidence is currently insufficient to determine the role of this variant in disease. Therefore, it has been classified as a Variant of Uncertain Significance. Algorithms developed to predict the effect of missense changes on protein structure and function are either unavailable or do not agree on the potential impact of this missense change (SIFT: "Tolerated"; PolyPhen-2: "Probably Damaging"; Align-GVGD: "Class C0"). This variant has not been reported in the literature in individuals affected with DENND5A-related conditions. This variant is present in population databases (rs758860067, gnomAD 0.003%). This sequence change replaces leucine, which is neutral and non-polar, with methionine, which is neutral and non-polar, at codon 350 of the DENND5A protein (p.Leu350Met).